The following is an entry in ClinVar:

ClinVar aggregate classification (germline): Likely pathogenic (1 of 4 stars; one submission).

Submission:

GeneDx
Classification: Likely pathogenic. Last evaluated: 2023-11-14. Review status: criteria provided, single submitter. Criteria: GeneDx Variant Classification Process June 2021. Collection method: clinical testing. Allele origin: germline. Affected: yes.
Comment: Frameshift variant predicted to result in protein truncation or nonsense mediated decay in a gene for which loss of function is a known mechanism of disease; Not observed at significant frequency in large population cohorts (gnomAD); Has not been previously published as pathogenic or benign to our knowledge

NM_032578.4(MYPN):c.3242del (p.Asp1081fs)

Gene: MYPN (myopalladin; plus strand). Cytogenetic location: 10q21.3.
Variant type: Deletion.
Coding change: c.3242del on transcript NM_032578.4 (MANE Select); coding-DNA position 3242, one base deleted (A; older notation c.3242delA).
Protein change: p.Asp1081fs; shifts the reading frame from aspartic acid 1081.
Molecular consequence: frameshift variant. On other transcripts: non-coding transcript variant (2).
Genome position (GRCh38, 1-based): chr10:68,197,435, A deleted. VCF-style (leftmost placement, unchanged base first): chr10-68197434-GA-G. GRCh37 (hg19) VCF-style: chr10-69957191-GA-G.
Other names: c.3242del, p.Asp1081fs (NM_001256267.2); c.2360del, p.Asp787fs (NM_001256268.2); c.3242delA, p.Asp1081Valfs (NM_032578.3); short protein forms D1081fs, D787fs.
Identifiers: ClinVar variation 2663574 (VCV002663574.1), dbSNP rs2495951376, ClinGen allele CA2695199500.